The following is an entry in ClinVar:

NM_000311.5(PRNP):c.432C>G (p.Asp144Glu)

Gene: PRNP (prion protein (Kanno blood group); plus strand). Cytogenetic location: 20p13.
Variant type: single nucleotide variant.
Coding change: c.432C>G on transcript NM_000311.5 (MANE Select); coding-DNA position 432, C replaced by G.
Protein change: p.Asp144Glu; replaces aspartic acid 144 with glutamic acid.
Molecular consequence: missense variant. On other transcripts: 3 prime UTR variant (1).
Genome position (GRCh38, 1-based): chr20:4,699,652, C>G. VCF-style: chr20-4699652-C-G. GRCh37 (hg19) VCF-style: chr20-4680298-C-G.
Other names: c.432C>G, p.Asp144Glu (NM_001080121.3, NM_001080122.3, NM_001080123.3 and 1 more transcripts); c.*121C>G (NM_001271561.3); short protein forms D144E.
Identifiers: ClinVar variation 2578908 (VCV002578908.25), dbSNP rs1358174528, ClinGen allele CA408152334.

ClinVar aggregate classification (germline): Uncertain significance (1 of 4 stars; one submission).

Allele frequency attached by ClinVar (database versions not stated): TOPMed below 0.00001.
gnomAD v4.1: 34 of 1,614,112 alleles (0.0021%); highest among the groups gnomAD compares: Non-Finnish European, 0.0027%; no homozygotes.

Submission:

CeGaT Center for Human Genetics Tuebingen
Classification: Uncertain significance. Last evaluated: 2023-08-01. Review status: criteria provided, single submitter. Criteria: CeGaT Center For Human Genetics Tuebingen Variant Classification Criteria Version 2. Collection method: clinical testing. Allele origin: germline. Affected: yes. Observed: 1 variant allele.
Comment: PRNP: PM2, PP2, PP4